The following is an entry in ClinVar:

NM_000179.3(MSH6):c.3284G>A (p.Arg1095His)

Gene: MSH6 (mutS homolog 6; plus strand). Cytogenetic location: 2p16.3.
Variant type: single nucleotide variant.
Coding change: c.3284G>A on transcript NM_000179.3 (MANE Select); coding-DNA position 3284, G replaced by A.
Protein change: p.Arg1095His; replaces arginine 1095 with histidine.
Molecular consequence: missense variant.
Genome position (GRCh38, 1-based): chr2:47,803,531, G>A. VCF-style: chr2-47803531-G-A. GRCh37 (hg19) VCF-style: chr2-48030670-G-A.
Other names: c.2894G>A, p.Arg965His (NM_001281492.2); c.2378G>A, p.Arg793His (NM_001281493.2, NM_001281494.2); short protein forms R1095H, R793H, R965H.
Identifiers: ClinVar variation 89368 (VCV000089368.49), dbSNP rs63750253, ClinGen allele CA012443.

ClinVar aggregate classification (germline): Conflicting classifications of pathogenicity. Review status: criteria provided, conflicting classifications (1 of 4 stars). 16 submissions from 16 submitters: Uncertain significance (11); Likely benign (4). 1 of the submissions does not count toward it. Last evaluated 2026-01-25.

Conditions:
MSH6-related disorder. Also called: MSH6-related condition; MSH6-Related disorders.
Hereditary nonpolyposis colorectal neoplasms. Identifiers: MedGen C0009405, MeSH D003123.
Hereditary cancer-predisposing syndrome. Also called: Hereditary Cancer Syndrome; Tumor predisposition; Neoplastic Syndromes, Hereditary; Hereditary neoplastic syndrome. Identifiers: Orphanet 140162, MedGen C0027672, MeSH D009386, MONDO:0015356.
Lynch syndrome. Identifiers: Orphanet 144, MedGen C4552100, MONDO:0005835. Disease mechanism: loss of function.
Lynch syndrome 5 (LYNCH5). Also called: Hereditary non-polyposis colorectal cancer, type 5; Colorectal cancer, hereditary nonpolyposis, type 5. Identifiers: Orphanet 144, MedGen C1833477, MONDO:0013710, OMIM 614350. Disease mechanism: loss of function.

Allele frequency attached by ClinVar (database versions not stated): gnomAD exomes 0.00004 and 0.00005; ExAC 0.00003; gnomAD 0.00003; TOPMed 0.00003.
gnomAD v4.1: 64 of 1,614,044 alleles (0.004%); highest among the groups gnomAD compares: Middle Eastern, 0.016%; no homozygotes.

Submissions 1 to 11 of 16:

Labcorp Genetics (formerly Invitae), Labcorp
Classification: Likely benign for Hereditary nonpolyposis colorectal neoplasms. Last evaluated: 2026-01-25. Review status: criteria provided, single submitter. Criteria: Invitae Variant Classification Sherloc (09022015). Collection method: clinical testing. Allele origin: germline.

Color Diagnostics, LLC DBA Color Health
Classification: Uncertain significance for Hereditary cancer-predisposing syndrome. Last evaluated: 2025-12-16. Review status: criteria provided, single submitter. Criteria: ACMG Guidelines, 2015. Collection method: clinical testing. Allele origin: germline.
Comment: This missense variant replaces arginine with histidine at codon 1095 of the MSH6 protein. Computational prediction suggests that this variant may have deleterious impact on protein structure and function. Functional studies have found this variant to be normal in in vitro mismatch DNA repair activity, complementation of MSH6-deficient mouse embryonic stem cells and MSH6 binding (PMID: 12522549, 22581703, 17594722, 24040339). This variant has been reported in individuals affected with colorectal cancer and Lynch syndrome associated cancer and/or polyps (PMID: 12522549, 25980754, 28944238). This variant has been identified in 64/1614044 chromosomes in the general population by the Genome Aggregation Database (gnomAD). The available evidence is insufficient to determine the role of this variant in disease conclusively. Therefore, this variant is classified as a Variant of Uncertain Significance.

Dasa
Classification: Uncertain significance. Last evaluated: 2025-03-11. Review status: criteria provided, single submitter. Criteria: DASA Assertion Criteria. Collection method: clinical testing. Allele origin: germline.
Comment: NM_000179.3(MSH6):c.3284G>A (p.Arg1095His) is a missense variant that results in the substitution of arginine with histidine. This variant is rare in population databases. Computational prediction algorithms are consistent with a deleterious effect. The currently available literature and clinical evidence are not sufficient to establish a definitive association between this variant and the reported condition. Therefore, this variant is classified as a variant of uncertain significance.

Center for Genomic Medicine, Rigshospitalet, Copenhagen University Hospital
Classification: Uncertain significance. Last evaluated: 2025-03-04. Review status: criteria provided, single submitter. Criteria: ACMG Guidelines, 2015. Collection method: clinical testing. Allele origin: germline.

Myriad Genetics, Inc.
Classification: Likely benign for Lynch syndrome 5. Last evaluated: 2025-01-06. Review status: criteria provided, single submitter. Criteria: Myriad Autosomal Dominant, Autosomal Recessive and X-Linked Classification Criteria (2023). Collection method: clinical testing. Allele origin: unknown.
Comment: This variant is considered likely benign. This variant is strongly associated with less severe personal and family histories of cancer, typical for individuals without pathogenic variants in this gene [PMID: 27363726].

Ambry Genetics
Classification: Uncertain significance for Hereditary cancer-predisposing syndrome. Last evaluated: 2024-12-22. Review status: criteria provided, single submitter. Criteria: Ambry Variant Classification Scheme 2023. Collection method: clinical testing. Allele origin: germline.
Comment: The p.R1095H variant (also known as c.3284G>A), located in coding exon 5 of the MSH6 gene, results from a G to A substitution at nucleotide position 3284. The arginine at codon 1095 is replaced by histidine, an amino acid with highly similar properties. However, multiple functional assays have demonstrated that this alteration has activity comparable to wild type indicating it is likely not pathogenic (Kariola R et al. Hum. Genet. 2003 Feb;112(2):105-9; Ou J et al. Hum. Mutat. 2007 Nov;28(11):1047-54; Kansikas M et al. Hum. Mutat. 2011 Jan;32(1):107-15; Wielders EA et al. PLoS One. 2013 Sep 10;8(9):e74766; Kantelinen J et al. Hum. Mutat. 2012 Aug;33(8):1294-301). This variant was also identified once in a cohort comprised of 1231 colorectal cancer cases and 93 controls (DeRycke MS et al. Mol Genet Genomic Med, 2017 Sep;5:553-569). Based on internal structure analysis, p.R1095H strongly perturbs the structure of the ATPase domain more than a known likely pathogenic variant nearby (Warren JJ et al. Mol. Cell 2007 May;26:579-92). This amino acid position is highly conserved in available vertebrate species. In addition, this alteration is predicted to be deleterious by in silico analysis. Since supporting evidence is conflicting at this time, the clinical significance of this alteration remains unclear.

Molecular Diagnostics Laboratory, Catalan Institute of Oncology
Classification: Uncertain significance for Hereditary cancer-predisposing syndrome. Last evaluated: 2024-12-11. Review status: criteria provided, single submitter. Criteria: MMR VCEP Paper Draft V3.1. Collection method: clinical testing. Allele origin: germline.
Comment: PP3, BS3 c.3284G>A located in exon 5 of the MSH6 gene, is predicted to result in the substitution of arginine by histidine at codon 1095, p.(Arg1095His).This variant is found in 11/268316 with a filter allele frequency of 0.002 at 95% confidence in the gnomAD in the gnomAD v2.1.1 database (non-cancer data set). Computational tools for this variant predicts a deleterious effect of the variant on protein function MAPP+PolyPhen-2 prior probability for pathogenicity: 0.737) (PP3). It has been reported in a MMR activity assay (PMID: 34445333) as MMR proficient (BS3). In addition, the variant has been reported in the ClinVar database (7x uncertain significance, 3x likely benign) and LOVD (4x uncertain significance, 1x benign, 4x not classified). In addition, the variant has been also reported at InSiGHT database 2013/09/05 v1.9 as Class 3:uncertain (“Insufficient evidence”). Based on currently available information, the variant c.3284G>A is classified as an uncertain significance variant according to ACMG guidelines.

Blueprint Genetics
Classification: Uncertain significance. Last evaluated: 2024-10-15. Review status: criteria provided, single submitter. Criteria: ACMG Guidelines, 2015. Collection method: clinical testing. Allele origin: germline.

PreventionGenetics, part of Exact Sciences
Classification: Likely benign for MSH6-related condition. Last evaluated: 2024-10-15. Review status: criteria provided, single submitter. Criteria: ACMG Guidelines, 2015. Collection method: clinical testing. Allele origin: germline.
Comment: This variant is classified as likely benign based on ACMG/AMP sequence variant interpretation guidelines (Richards et al. 2015 PMID: 25741868, with internal and published modifications).

Molecular Pathology, Peter Maccallum Cancer Centre
Classification: Uncertain significance for Lynch syndrome 5. Last evaluated: 2024-08-06. Review status: criteria provided, single submitter. Criteria: ACMG Guidelines, 2015. Collection method: clinical testing. Allele origin: germline. Inheritance: Autosomal dominant inheritance.

All of Us Research Program, National Institutes of Health
Classification: Uncertain significance for Lynch syndrome. Last evaluated: 2024-07-29. Review status: criteria provided, single submitter. Criteria: ACMG Guidelines, 2015. Collection method: clinical testing. Allele origin: germline. Inheritance: Autosomal dominant inheritance. Observed: 10 variant alleles, 10 heterozygotes.
Comment: This missense variant replaces arginine with histidine at codon 1095 of the MSH6 protein. Computational prediction suggests that this variant may have deleterious impact on protein structure and function (internally defined REVEL score threshold >= 0.7, PMID: 27666373). Functional studies have found this variant to be normal in in vitro mismatch DNA repair activity, complementation of MSH6-deficient mouse embryonic stem cells and MSH6 binding (PMID: 12522549, 22581703, 17594722, 24040339). This variant has been reported in individuals affected with colorectal cancer and Lynch syndrome associated cancer and/or polyps (PMID: 12522549, 25980754, 28944238) and with early-onset breast cancer (PMID: 25503501). This variant has been identified in 12/251448 chromosomes in the general population by the Genome Aggregation Database (gnomAD). The available evidence is insufficient to determine the role of this variant in disease conclusively. Therefore, this variant is classified as a Variant of Uncertain Significance.

This study involves interpretation of variants in research participants for the purpose of population health screening. Participant phenotype was not available at the time of variant classification. Additional details can be found in publication PMID: 35346344, PMCID: PMC8962531